The following is an entry in ClinVar:

NM_002476.2(MYL4):c.24_35del (p.Lys9_Ala12del)

Gene: MYL4 (myosin light chain 4; plus strand). Cytogenetic location: 17q21.32.
Variant type: Deletion.
Coding change: c.24_35del on transcript NM_002476.2 (MANE Select); coding-DNA positions 24 to 35, 12 bases deleted (TAAGAAGGAGGC).
Protein change: p.Lys9_Ala12del.
Molecular consequence: inframe deletion.
Genome position (GRCh38, 1-based): chr17:47,209,446-47,209,457, TAAGAAGGAGGC deleted; deleting any 12 consecutive bases within chr17:47,209,445-47,209,457 gives the same sequence; the c. name uses the placement nearest the transcript's 3' end. VCF-style (leftmost placement, unchanged base first): chr17-47209444-CCTAAGAAGGAGG-C. GRCh37 (hg19) VCF-style: chr17-45286810-CCTAAGAAGGAGG-C.
Other names: c.24_35del, p.Lys9_Ala12del (NM_001002841.2).
Identifiers: ClinVar variation 4731345 (VCV004731345.1).

ClinVar aggregate classification (germline): Uncertain significance (1 of 4 stars; one submission).

Conditions:
Atrial fibrillation, familial, 18 (ATFB18). Identifiers: MedGen C4310636, MONDO:0015001, OMIM 617280.

Submission:

Labcorp Genetics (formerly Invitae), Labcorp
Classification: Uncertain significance for Atrial fibrillation, familial, 18. Last evaluated: 2025-11-17. Review status: criteria provided, single submitter. Criteria: Invitae Variant Classification Sherloc (09022015). Collection method: clinical testing. Allele origin: germline.
Comment: This variant, c.24_35del, results in the deletion of 4 amino acid(s) of the MYL4 protein (p.Lys9_Ala12del), but otherwise preserves the integrity of the reading frame. This variant is not present in population databases (gnomAD no frequency). This variant has not been reported in the literature in individuals affected with MYL4-related conditions. Experimental studies and prediction algorithms are not available or were not evaluated, and the functional significance of this variant is currently unknown. In summary, the available evidence is currently insufficient to determine the role of this variant in disease. Therefore, it has been classified as a Variant of Uncertain Significance.